The following is an entry in ClinVar:

NM_019014.6(POLR1B):c.1976A>G (p.Gln659Arg)

Gene: POLR1B (RNA polymerase I subunit B; plus strand). Cytogenetic location: 2q14.1.
Variant type: single nucleotide variant.
Coding change: c.1976A>G on transcript NM_019014.6 (MANE Select); coding-DNA position 1976, A replaced by G.
Protein change: p.Gln659Arg; replaces glutamine 659 with arginine.
Molecular consequence: missense variant.
Genome position (GRCh38, 1-based): chr2:112,568,804, A>G. VCF-style: chr2-112568804-A-G. GRCh37 (hg19) VCF-style: chr2-113326381-A-G.
Other names: c.1808A>G, p.Gln603Arg (NM_001137604.3); c.2090A>G, p.Gln697Arg (NM_001282772.2); c.1427A>G, p.Gln476Arg (NM_001282774.2); c.1343A>G, p.Gln448Arg (NM_001282776.2, NM_001371971.1); c.1559A>G, p.Gln520Arg (NM_001282777.2, NM_001282779.2, NM_001371970.1); c.2114A>G, p.Gln705Arg (NM_001371969.1); short protein forms Q448R, Q476R, Q520R, Q603R, Q659R, Q697R, Q705R.
Identifiers: ClinVar variation 1683365 (VCV001683365.1), dbSNP rs1476199084, ClinGen allele CA348273958.

ClinVar aggregate classification (germline): Uncertain significance (1 of 4 stars; one submission).

Allele frequency attached by ClinVar (database versions not stated): gnomAD exomes below 0.00001; gnomAD 0.00001.
gnomAD v4.1: 2 of 1,614,072 alleles (0.00012%); highest among the groups gnomAD compares: Admixed American, 0.0033%; no homozygotes.

Submission:

Women's Health and Genetics/Laboratory Corporation of America, LabCorp
Classification: Uncertain significance. Last evaluated: 2022-04-29. Review status: criteria provided, single submitter. Criteria: LabCorp Variant Classification Summary - May 2015. Collection method: clinical testing. Allele origin: germline.
Comment: Variant summary: POLR1B c.1976A>G (p.Gln659Arg) results in a conservative amino acid change located in the DNA-directed RNA polymerase, subunit 2, hybrid-binding domain of the encoded protein sequence. Three of five in-silico tools predict a benign effect of the variant on protein function. The variant was absent in 251290 control chromosomes. The available data on variant occurrences in the general population are insufficient to allow any conclusion about variant significance. To our knowledge, no occurrence of c.1976A>G in individuals affected with Treacher Collins Syndrome 4 and no experimental evidence demonstrating its impact on protein function have been reported. No clinical diagnostic laboratories have submitted clinical-significance assessments for this variant to ClinVar after 2014. Based on the evidence outlined above, the variant was classified as uncertain significance.